The following is an entry in ClinVar:

NM_032634.4(PIGO):c.3069+2T>C

Gene: PIGO (phosphatidylinositol glycan anchor biosynthesis class O; minus strand). Cytogenetic location: 9p13.3.
Variant type: single nucleotide variant.
Coding change: c.3069+2T>C on transcript NM_032634.4 (MANE Select); the canonical splice donor site of the intron after coding-DNA position 3069, T replaced by C.
Molecular consequence: splice donor variant.
Genome position (GRCh38, 1-based): chr9:35,090,064, A>G on the plus strand (T>C on the coding strand, the complement: PIGO is on the minus strand). VCF-style: chr9-35090064-A-G. GRCh37 (hg19) VCF-style: chr9-35090061-A-G.
Other names: c.1818+2T>C (NM_152850.4, NM_001201484.2).
Identifiers: ClinVar variation 422406 (VCV000422406.10), dbSNP rs1064795758, ClinGen allele CA16618853.

ClinVar aggregate classification (germline): Likely pathogenic. Review status: criteria provided, multiple submitters, no conflicts (2 of 4 stars). 2 submissions from 2 submitters: Likely pathogenic (2). Last evaluated 2020-09-24.

Conditions:
Hyperphosphatasia with impaired intellectual development syndrome 2. Also called: GLYCOSYLPHOSPHATIDYLINOSITOL BIOSYNTHESIS DEFECT 6; Hyperphosphatasia with intellectual disability syndrome 2. Identifiers: Orphanet 247262, MedGen C3553637, MONDO:0013882, OMIM 614749.

Allele frequency attached by ClinVar (database versions not stated): gnomAD exomes below 0.00001.

Submissions (2):

Labcorp Genetics (formerly Invitae), Labcorp
Classification: Likely pathogenic for Hyperphosphatasia with impaired intellectual development syndrome 2. Last evaluated: 2020-09-24. Review status: criteria provided, single submitter. Criteria: Invitae Variant Classification Sherloc (09022015). Collection method: clinical testing. Allele origin: germline.
Comment: Algorithms developed to predict the effect of sequence changes on RNA splicing suggest that this variant may disrupt the consensus splice site, but this prediction has not been confirmed by published transcriptional studies. In summary, the currently available evidence indicates that the variant is pathogenic, but additional data are needed to prove that conclusively. Therefore, this variant has been classified as Likely Pathogenic. Donor and acceptor splice site variants typically lead to a loss of protein function (PMID: 16199547), and loss-of-function variants in PIGO are known to be pathogenic (PMID: 22683086, 24417746). This variant has not been reported in the literature in individuals with PIGO-related conditions. ClinVar contains an entry for this variant (Variation ID: 422406). This variant is not present in population databases (ExAC no frequency). This sequence change affects a donor splice site in intron 9 of the PIGO gene. It is expected to disrupt RNA splicing and likely results in an absent or disrupted protein product.

GeneDx
Classification: Likely pathogenic. Last evaluated: 2016-10-06. Review status: criteria provided, single submitter. Criteria: GeneDx Variant Classification (06012015). Collection method: clinical testing. Allele origin: germline. Affected: yes.
Comment: The c.3069+2 T>C variant has not been published as a pathogenic variant, nor has it been reported as a benign variant to our knowledge. It was not observed in approximately 6,500 individuals of European and African American ancestry in the NHLBI Exome Sequencing Project, indicating it is not a common benign variant in these populations. The c.3069+2 T>C splice site variant in the PNKP gene destroys the canonical splice donor site in intron 9. It is predicted to cause abnormal gene splicing, either leading to an abnormal message that is subject to nonsense-mediated mRNA decay, or to an abnormal protein product if the message is used for protein translation. Therefore, this variant is likely pathogenic; however, the possibility that it is benign cannot be excluded.

Literature cited by the submitters: PubMed 16199547 (cited by Labcorp Genetics (formerly Invitae), Labcorp); PubMed 22683086 (cited by Labcorp Genetics (formerly Invitae), Labcorp); PubMed 24417746 (cited by Labcorp Genetics (formerly Invitae), Labcorp).